The following is an entry in ClinVar:

NM_001306084.2(CFAP54):c.2411-11T>G

Gene: CFAP54 (cilia and flagella associated protein 54; plus strand). Cytogenetic location: 12q23.1.
Variant type: single nucleotide variant.
Coding change: c.2411-11T>G on transcript NM_001306084.2 (MANE Select); 11 bases into the intron before coding-DNA position 2411, T replaced by G.
Molecular consequence: intron variant.
Genome position (GRCh38, 1-based): chr12:96,564,457, T>G. VCF-style: chr12-96564457-T-G. GRCh37 (hg19) VCF-style: chr12-96958235-T-G.
Other names: c.2411-11T>G (NM_001367885.1).
Identifiers: ClinVar variation 5005206 (VCV005005206.2).

ClinVar aggregate classification (germline): Uncertain significance (1 of 4 stars; one submission).

Conditions:
Ciliary dyskinesia, primary, 54. Identifiers: MedGen C6012704, MONDO:0100607, OMIM 621125.
Spermatogenic failure 98. Identifiers: MedGen C6012703, MONDO:0700290, OMIM 621124.

gnomAD v4.1: 147 of 688,924 alleles (0.021%); highest among the groups gnomAD compares: African/African-American, 0.12%; no homozygotes.

Submission:

Juno Genomics, Hangzhou Juno Genomics, Inc
Classification: Uncertain significance for Spermatogenic failure 98; Ciliary dyskinesia, primary, 54. Review status: criteria provided, single submitter. Criteria: ACMG Guidelines, 2015. Collection method: clinical testing. Allele origin: germline.
Comment: Absent from controls (or at extremely low frequency if recessive) in Genome Aggregation Database.;Multiple lines of computational evidence support a deleterious effect on the gene or gene product.